The following is an entry in ClinVar:

ClinVar aggregate classification (germline): Uncertain significance. Review status: criteria provided, multiple submitters, no conflicts (2 of 4 stars). 2 submissions from 2 submitters: Uncertain significance (2). Last evaluated 2025-09-10.

Conditions:
Inborn genetic diseases. Identifiers: MedGen C0950123, MeSH D030342.

Submissions (2):

Ambry Genetics
Classification: Uncertain significance for Inborn genetic diseases. Last evaluated: 2025-09-10. Review status: criteria provided, single submitter. Criteria: Ambry Variant Classification Scheme 2023. Collection method: clinical testing. Allele origin: germline.

Women's Health and Genetics/Laboratory Corporation of America, LabCorp
Classification: Uncertain significance. Last evaluated: 2024-05-29. Review status: criteria provided, single submitter. Criteria: LabCorp Variant Classification Summary - May 2015. Collection method: clinical testing. Allele origin: germline.
Comment: Variant summary: TRPM6 c.5107C>T (p.Pro1703Ser) results in a non-conservative amino acid change in the encoded protein sequence. Four of five in-silico tools predict a benign effect of the variant on protein function. The variant allele was found at a frequency of 4e-06 in 251400 control chromosomes. The available data on variant occurrences in the general population are insufficient to allow any conclusion about variant significance. To our knowledge, no occurrence of c.5107C>T in individuals affected with Intestinal Hypomagnesemia 1 and no experimental evidence demonstrating its impact on protein function have been reported. No submitters have cited clinical-significance assessments for this variant to ClinVar. Based on the evidence outlined above, the variant was classified as uncertain significance.

NM_017662.5(TRPM6):c.5107C>T (p.Pro1703Ser)

Gene: TRPM6 (transient receptor potential cation channel subfamily M member 6; minus strand). Cytogenetic location: 9q21.13.
Variant type: single nucleotide variant.
Coding change: c.5107C>T on transcript NM_017662.5 (MANE Select); coding-DNA position 5107, C replaced by T.
Protein change: p.Pro1703Ser; replaces proline 1703 with serine.
Molecular consequence: missense variant.
Genome position (GRCh38, 1-based): chr9:74,744,122, G>A on the plus strand (C>T on the coding strand, the complement: TRPM6 is on the minus strand). VCF-style: chr9-74744122-G-A. GRCh37 (hg19) VCF-style: chr9-77359038-G-A.
Other names: c.5092C>T, p.Pro1698Ser (NM_001177310.2, NM_001177311.2); c.5107C>T (NM_017662.4); short protein forms P1698S, P1703S.
Identifiers: ClinVar variation 3336224 (VCV003336224.2).